The following is an entry in ClinVar:

ClinVar aggregate classification (germline): Benign. Review status: criteria provided, single submitter (1 of 4 stars). 2 submissions from 2 submitters: Benign (1). 1 of the submissions does not count toward it. Last evaluated 2025-10-21.

Conditions:
HYOU1-related disorder. Also called: HYOU1-related condition.

Submissions (2):

Labcorp Genetics (formerly Invitae), Labcorp
Classification: Benign. Last evaluated: 2025-10-21. Review status: criteria provided, single submitter. Criteria: Invitae Variant Classification Sherloc (09022015). Collection method: clinical testing. Allele origin: germline.

PreventionGenetics, part of Exact Sciences
Classification: Likely benign for HYOU1-related condition. Last evaluated: 2020-08-25. Review status: no assertion criteria provided. Collection method: clinical testing. Allele origin: germline. Not counted in ClinVar's aggregate classification.
Comment: This variant is classified as likely benign based on ACMG/AMP sequence variant interpretation guidelines (Richards et al. 2015 PMID: 25741868, with internal and published modifications).

NM_006389.5(HYOU1):c.2254-3dup

Gene: HYOU1 (hypoxia up-regulated 1; minus strand). Cytogenetic location: 11q23.3.
Variant type: Duplication.
Coding change: c.2254-3dup on transcript NM_006389.5 (MANE Select); 3 bases into the intron before coding-DNA position 2254, one base duplicated (C; older notation c.2254-3dupC).
Molecular consequence: intron variant.
Genome position (GRCh38, 1-based): chr11:119,048,373, G duplicated on the plus strand (C on the coding strand, the reverse complement: HYOU1 is on the minus strand); the first of 4 consecutive G bases (chr11:119,048,373-119,048,376); duplicating any one gives the same sequence. VCF-style (leftmost placement, unchanged base first): chr11-119048372-T-TG. GRCh37 (hg19) VCF-style: chr11-118919084-T-TG.
Other names: c.2254-3dup (NM_001130991.3, NM_001411041.1).
Identifiers: ClinVar variation 3031904 (VCV003031904.3), dbSNP rs782550453, ClinGen allele CA672392589.